The following is an entry in ClinVar:

ClinVar aggregate classification (germline): Uncertain significance (1 of 4 stars; one submission).

Conditions:
Cone-rod dystrophy 2 (CORD2). Also called: CONE-ROD RETINAL DYSTROPHY; Cone-rod retinal dystrophy 2. Identifiers: Orphanet 1872, MedGen C3489532, MONDO:0007362, OMIM 120970.
Leber congenital amaurosis 7 (LCA7). Identifiers: Orphanet 65, MedGen C3151192, MONDO:0013449, OMIM 613829.

Submission:

Labcorp Genetics (formerly Invitae), Labcorp
Classification: Uncertain significance for Cone-rod dystrophy 2; Leber congenital amaurosis 7. Last evaluated: 2022-01-06. Review status: criteria provided, single submitter. Criteria: Invitae Variant Classification Sherloc (09022015). Collection method: clinical testing. Allele origin: germline.
Comment: This variant has not been reported in the literature in individuals affected with CRX-related conditions. This variant is not present in population databases (gnomAD no frequency). This sequence change replaces alanine, which is neutral and non-polar, with threonine, which is neutral and polar, at codon 117 of the CRX protein (p.Ala117Thr). Algorithms developed to predict the effect of missense changes on protein structure and function are either unavailable or do not agree on the potential impact of this missense change (SIFT: "Deleterious"; PolyPhen-2: "Benign"; Align-GVGD: "Class C0"). In summary, the available evidence is currently insufficient to determine the role of this variant in disease. Therefore, it has been classified as a Variant of Uncertain Significance.

NM_000554.6(CRX):c.349G>A (p.Ala117Thr)

Gene: CRX (cone-rod homeobox; plus strand). Cytogenetic location: 19q13.33.
Variant type: single nucleotide variant.
Coding change: c.349G>A on transcript NM_000554.6 (MANE Select); coding-DNA position 349, G replaced by A.
Protein change: p.Ala117Thr; replaces alanine 117 with threonine.
Molecular consequence: missense variant.
Genome position (GRCh38, 1-based): chr19:47,839,416, G>A. VCF-style: chr19-47839416-G-A. GRCh37 (hg19) VCF-style: chr19-48342673-G-A.
Other names: short protein forms A117T.
Identifiers: ClinVar variation 1356772 (VCV001356772.8), dbSNP rs1599991109, ClinGen allele CA406630466.